The following is an entry in ClinVar:

NM_001378457.1(DMXL2):c.4774C>T (p.Leu1592Phe)

Gene: DMXL2 (Dmx like 2; minus strand). Cytogenetic location: 15q21.2.
Variant type: single nucleotide variant.
Coding change: c.4774C>T on transcript NM_001378457.1 (MANE Select); coding-DNA position 4774, C replaced by T.
Protein change: p.Leu1592Phe; replaces leucine 1592 with phenylalanine.
Molecular consequence: missense variant. On other transcripts: non-coding transcript variant (2), intron variant (1).
Genome position (GRCh38, 1-based): chr15:51,495,033, G>A on the plus strand (C>T on the coding strand, the complement: DMXL2 is on the minus strand). VCF-style: chr15-51495033-G-A. GRCh37 (hg19) VCF-style: chr15-51787230-G-A.
Other names: c.4774C>T, p.Leu1592Phe (NM_001174116.3, NM_001378458.1, NM_001378459.1 and 4 more transcripts); c.2866C>T, p.Leu956Phe (NM_001174117.3); c.4534C>T, p.Leu1512Phe (NM_001378464.1); c.2765-3286C>T (NM_001378460.1); short protein forms L1592F, L956F, L1512F.
Identifiers: ClinVar variation 2065938 (VCV002065938.4), dbSNP rs2548494624, ClinGen allele CA392429886.

ClinVar aggregate classification (germline): Uncertain significance (1 of 4 stars; one submission).

Submission:

Labcorp Genetics (formerly Invitae), Labcorp
Classification: Uncertain significance. Last evaluated: 2022-07-26. Review status: criteria provided, single submitter. Criteria: Invitae Variant Classification Sherloc (09022015). Collection method: clinical testing. Allele origin: germline.
Comment: In summary, the available evidence is currently insufficient to determine the role of this variant in disease. Therefore, it has been classified as a Variant of Uncertain Significance. Algorithms developed to predict the effect of missense changes on protein structure and function are either unavailable or do not agree on the potential impact of this missense change (SIFT: "Tolerated"; PolyPhen-2: "Probably Damaging"; Align-GVGD: "Class C0"). This variant has not been reported in the literature in individuals affected with DMXL2-related conditions. This variant is not present in population databases (gnomAD no frequency). This sequence change replaces leucine, which is neutral and non-polar, with phenylalanine, which is neutral and non-polar, at codon 1592 of the DMXL2 protein (p.Leu1592Phe).